The following is an entry in ClinVar:

ClinVar aggregate classification (germline): Uncertain significance. Review status: criteria provided, multiple submitters, no conflicts (2 of 4 stars). 2 submissions from 2 submitters: Uncertain significance (2). Last evaluated 2025-09-26.

Conditions:
DICER1-related tumor predisposition. Also called: DICER1 syndrome; DICER1-related pleuropulmonary blastoma cancer predisposition syndrome. Identifiers: Orphanet 284343, MedGen C3839822, MONDO:0100216.
Hereditary cancer-predisposing syndrome. Also called: Neoplastic Syndromes, Hereditary; Tumor predisposition; Hereditary neoplastic syndrome; Hereditary Cancer Syndrome. Identifiers: Orphanet 140162, MedGen C0027672, MeSH D009386, MONDO:0015356.

Allele frequency attached by ClinVar (database versions not stated): gnomAD exomes below 0.00001.
gnomAD v4.1: 1 of 1,614,144 alleles (0.000062%); highest among the groups gnomAD compares: Non-Finnish European, 0.000085%; no homozygotes.

Submissions (2):

Ambry Genetics
Classification: Uncertain significance for Hereditary cancer-predisposing syndrome. Last evaluated: 2025-09-26. Review status: criteria provided, single submitter. Criteria: Ambry Variant Classification Scheme 2023. Collection method: clinical testing. Allele origin: germline.
Comment: The p.L30V variant (also known as c.88C>G), located in coding exon 1 of the DICER1 gene, results from a C to G substitution at nucleotide position 88. The leucine at codon 30 is replaced by valine, an amino acid with highly similar properties. This amino acid position is conserved. In addition, the in silico prediction for this alteration is inconclusive. Based on the available evidence, the clinical significance of this variant remains unclear.

Labcorp Genetics (formerly Invitae), Labcorp
Classification: Uncertain significance for DICER1-related tumor predisposition. Last evaluated: 2024-12-26. Review status: criteria provided, single submitter. Criteria: Invitae Variant Classification Sherloc (09022015). Collection method: clinical testing. Allele origin: germline.
Comment: This sequence change replaces leucine, which is neutral and non-polar, with valine, which is neutral and non-polar, at codon 30 of the DICER1 protein (p.Leu30Val). This variant is not present in population databases (gnomAD no frequency). This variant has not been reported in the literature in individuals affected with DICER1-related conditions. ClinVar contains an entry for this variant (Variation ID: 1765040). Invitae Evidence Modeling of protein sequence and biophysical properties (such as structural, functional, and spatial information, amino acid conservation, physicochemical variation, residue mobility, and thermodynamic stability) indicates that this missense variant is not expected to disrupt DICER1 protein function with a negative predictive value of 95%. In summary, the available evidence is currently insufficient to determine the role of this variant in disease. Therefore, it has been classified as a Variant of Uncertain Significance.

NM_177438.3(DICER1):c.88C>G (p.Leu30Val)

Gene: DICER1 (dicer 1, ribonuclease III; minus strand). Cytogenetic location: 14q32.13.
Variant type: single nucleotide variant.
Coding change: c.88C>G on transcript NM_177438.3 (MANE Select); coding-DNA position 88, C replaced by G.
Protein change: p.Leu30Val; replaces leucine 30 with valine.
Molecular consequence: missense variant. On other transcripts: 5 prime UTR variant (8), non-coding transcript variant (6), intron variant (1).
Genome position (GRCh38, 1-based): chr14:95,133,371, G>C on the plus strand (C>G on the coding strand, the complement: DICER1 is on the minus strand). VCF-style: chr14-95133371-G-C. GRCh37 (hg19) VCF-style: chr14-95599708-G-C.
Other names: c.88C>G, p.Leu30Val (NM_001195573.1, NM_001271282.3, NM_001291628.2 and 15 more transcripts); c.-187C>G (NM_001395686.1, NM_001395688.1, NM_001395689.1 and 3 more transcripts); c.-371C>G (NM_001395691.1); c.-1481C>G (NM_001395697.1); c.-130-694C>G (NM_001395687.1); short protein forms L30V.
Identifiers: ClinVar variation 1765040 (VCV001765040.5), dbSNP rs2140295709, ClinGen allele CA390890502.
Genomic context (GRCh38, chr14:95,133,371, plus strand): 5'-GTACCTGATATTTTCTTGGCGTATAAATGTTATCATGAATTGCTTCTTGTTGCCATGGCA[G>C]TCCAAAGAAAGGACCCATTGGTGAGGAAGCAGGGGTCATGAGCTGCAGGCCTGCCATGCT-3'
Protein context (NP_803187.1, residues 20-40): ASSPMGPFFG[Leu30Val]PWQQEAIHDN